The following is an entry in ClinVar:

ClinVar aggregate classification (germline): Uncertain significance (1 of 4 stars; one submission).

Conditions:
Familial cancer of breast. Also called: BREAST CANCER, FAMILIAL; Hereditary breast cancer; hereditary breast carcinoma. Identifiers: Orphanet 227535, MedGen C0346153, MONDO:0016419, OMIM 114480. Disease mechanism: loss of function.

Submission:

Labcorp Genetics (formerly Invitae), Labcorp
Classification: Uncertain significance for Familial cancer of breast. Last evaluated: 2019-08-15. Review status: criteria provided, single submitter. Criteria: Invitae Variant Classification Sherloc (09022015). Collection method: clinical testing. Allele origin: germline.
Comment: This variant has not been reported in the literature in individuals with PALB2-related conditions. In summary, the available evidence is currently insufficient to determine the role of this variant in disease. Therefore, it has been classified as a Variant of Uncertain Significance. Experimental studies and prediction algorithms are not available or were not evaluated for this variant, and the functional significance of the affected amino acid(s) is currently unknown. This variant results in a copy number gain of the genomic region encompassing exons 8-11 of the PALB2 gene. While the exact position of this variant cannot be determined from this data, sub-genic copy number gains are generally in tandem (PMID: 25640679). This variant would be expected to be in-frame, preserving the integrity of the reading frame.

Literature cited by the submitters: PubMed 25640679.

NC_000016.10:g.(?_23613994)_(23624104_?)dup

Gene: PALB2 (partner and localizer of BRCA2; minus strand). Cytogenetic location: 16p12.2.
Variant type: Duplication.
Identifiers: ClinVar variation 830503 (VCV000830503.7).